The following is an entry in ClinVar:

NM_020975.6(RET):c.1900_1901delinsCT (p.Cys634Leu)

Gene: RET (ret proto-oncogene; plus strand). Cytogenetic location: 10q11.21.
Variant type: Indel.
Coding change: c.1900_1901delinsCT on transcript NM_020975.6 (MANE Select); coding-DNA positions 1900 to 1901, TG replaced by CT.
Protein change: p.Cys634Leu; replaces cysteine 634 with leucine.
Molecular consequence: missense variant.
Genome position (GRCh38, 1-based): chr10:43,114,500-43,114,501, TG replaced by CT. VCF-style: chr10-43114500-TG-CT. GRCh37 (hg19) VCF-style: chr10-43609948-TG-CT.
Other names: c.1174_1175delTGinsCT, p.Cys392Leu (NM_001406778.1, NM_001406775.1, NM_001406776.1 and 1 more transcripts); c.1003_1004delTGinsCT, p.Cys335Leu (NM_001406779.1, NM_001406780.1, NM_001406781.1 and 1 more transcripts); c.715_716delTGinsCT, p.Cys239Leu (NM_001406788.1, NM_001406789.1, NM_001406790.1); c.910_911delTGinsCT, p.Cys304Leu (NM_001406784.1); c.883_884delTGinsCT, p.Cys295Leu (NM_001406785.1); c.874_875delTGinsCT, p.Cys292Leu (NM_001406786.1, NM_001406783.1); c.1900_1901delTGinsCT, p.Cys634Leu (NM_000323.2, NM_001406743.1, NM_001406744.1 and 4 more transcripts); c.1138_1139delTGinsCT, p.Cys380Leu (NM_001355216.2); and 7 more; short protein forms C380L, C634L, C151L, C292L, C304L, C459L, C488L, C295L.
Identifiers: ClinVar variation 820303 (VCV000820303.9), dbSNP rs1588874068, ClinGen allele CA915945886.
Genomic context (GRCh38, chr10:43,114,500, plus strand): 5'-CCTCTGGCGGTGCCAAGCCTCACACCACCCCCACCCACAGATCCACTGTGCGACGAGCTG[TG>CT]CCGCACGGTGATCGCAGCCGCTGTCCTCTTCTCCTTCATCGTCTCGGTGCTGCTGTCTGC-3'
Protein context (NP_066124.1, residues 624-644): DIQDPLCDEL[Cys634Leu]RTVIAAAVLF

ClinVar aggregate classification (germline): Pathogenic/Likely pathogenic. Review status: criteria provided, multiple submitters, no conflicts (2 of 4 stars). 2 submissions from 2 submitters: Pathogenic (1); Likely pathogenic (1). Last evaluated 2025-06-16.

Conditions:
Hereditary cancer-predisposing syndrome. Also called: Neoplastic Syndromes, Hereditary; Tumor predisposition; Hereditary Cancer Syndrome; Hereditary neoplastic syndrome. Identifiers: Orphanet 140162, MedGen C0027672, MeSH D009386, MONDO:0015356.
Multiple endocrine neoplasia, type 2 (MEN2). Identifiers: Orphanet 653, MedGen C4048306, MONDO:0019003. Disease mechanism: gain of function.

Submissions (2):

Labcorp Genetics (formerly Invitae), Labcorp
Classification: Likely pathogenic for Multiple endocrine neoplasia, type 2. Last evaluated: 2025-06-16. Review status: criteria provided, single submitter. Criteria: Invitae Variant Classification Sherloc (09022015). Collection method: clinical testing. Allele origin: germline.
Comment: This sequence change replaces cysteine, which is neutral and slightly polar, with leucine, which is neutral and non-polar, at codon 634 of the RET protein (p.Cys634Leu). Information on the frequency of this variant in the gnomAD database is not available, as this variant may be reported differently in the database. This missense change has been observed in individuals with clinical features of multiple endocrine neoplasia type 2A (PMID: 16314641; external communication, internal data). It has also been observed to segregate with disease in related individuals. ClinVar contains an entry for this variant (Variation ID: 820303). An algorithm developed to predict the effect of missense changes on protein structure and function (PolyPhen-2) suggests that this variant is likely to be disruptive. This variant disrupts the p.Cys634 amino acid residue in RET. Other variant(s) that disrupt this residue have been determined to be pathogenic (PMID: 8099202, 12000816, 21765987). This suggests that this residue is clinically significant, and that variants that disrupt this residue are likely to be disease-causing. In summary, the currently available evidence indicates that the variant is pathogenic, but additional data are needed to prove that conclusively. Therefore, this variant has been classified as Likely Pathogenic.

Ambry Genetics
Classification: Pathogenic for Hereditary cancer-predisposing syndrome. Last evaluated: 2019-08-08. Review status: criteria provided, single submitter. Criteria: Ambry Variant Classification Scheme 2023. Collection method: clinical testing. Allele origin: germline.
Comment: The c.1900_1901delTGinsCT pathogenic mutation (also known as p.C634L), located in coding exon 11 of the RET gene, results from an in-frame deletion of TG and insertion of CT at nucleotide positions 1900 to 1901. This results in the substitution of the cysteine residue for a leucine residue at codon 634, an amino acid with highly dissimilar properties. One study of individuals with pheochromocytomas or functional paragangliomas identified a similar alteration resulting in the same amino acid substitution (described as c.1901_1902GC>TG) in one individual with a family history or syndromic presentation (Amar L et al. J. Clin. Oncol., 2005 Dec;23:8812-8). The American Thyroid Association states that RET mutations at codon 634 are associated with classic MEN2A resulting in a high risk of medullary thyroid cancer, higher penetrance of pheochromocytoma, and moderate penetrance of hyperparathyroidism (Wells SA et al. Thyroid, 2015 Jun;25:567-610). This amino acid position is highly conserved in available vertebrate species. In addition, this alteration is predicted to be deleterious by in silico analysis. Based on the supporting evidence, this alteration is interpreted as a disease-causing mutation.

Literature cited by the submitters: PubMed 16314641 (cited by Labcorp Genetics (formerly Invitae), Labcorp and Ambry Genetics); PubMed 8099202 (cited by Labcorp Genetics (formerly Invitae), Labcorp); PubMed 12000816 (cited by Labcorp Genetics (formerly Invitae), Labcorp); PubMed 21765987 (cited by Labcorp Genetics (formerly Invitae), Labcorp); PubMed 25810047 (cited by Ambry Genetics).